The following is an entry in ClinVar:

ClinVar aggregate classification (germline): Pathogenic/Likely pathogenic. Review status: criteria provided, multiple submitters, no conflicts (2 of 4 stars). 4 submissions from 4 submitters: Pathogenic (1); Likely pathogenic (2). 1 of the submissions does not count toward it. Last evaluated 2025-02-22.

Conditions:
Hypothyroidism due to TSH receptor mutations. Also called: Hypothyroidism, congenital, nongoitrous, 1; HYPOTHYROIDISM DUE TO UNRESPONSIVENESS TO THYROTROPIN; HYPOTHYROIDISM, CONGENITAL, DUE TO TSH RESISTANCE; HYPOTHYROIDISM, NONAUTOIMMUNE; THYROID-STIMULATING HORMONE, RESISTANCE TO; TSH RESISTANCE. Identifiers: Orphanet 90673, MedGen C3493776, MONDO:0010142, OMIM 275200.
Familial hyperthyroidism due to mutations in TSH receptor. Also called: HYPERTHYROIDISM, CONGENITAL NONAUTOIMMUNE; HYPERTHYROIDISM, NONAUTOIMMUNE, AUTOSOMAL DOMINANT; TOXIC THYROID HYPERPLASIA, AUTOSOMAL DOMINANT. Identifiers: Orphanet 424, MedGen C1836706, MONDO:0012203, OMIM 609152.
Familial gestational hyperthyroidism. Identifiers: Orphanet 99819, MedGen C1863959, MONDO:0011309, OMIM 603373.

Submissions (4):

GeneDx
Classification: Pathogenic. Last evaluated: 2025-02-22. Review status: criteria provided, single submitter. Criteria: GeneDx Variant Classification Process June 2021. Collection method: clinical testing. Allele origin: germline. Affected: yes.
Comment: Identified in the heterozygous state in a patient with nonautoimmune subclinical hypothyroidism; please note that this variant is referred to as T655del using alternate nomenclature (PMID: 12050212); Frameshift variant predicted to result in abnormal protein length as the last 110 amino acids are replaced with 1 different amino acid, and other similar variants have been reported in HGMD; Functional studies demonstrate that this variant, described using alternate nomenclature T655del, leads to a loss of function (PMID: 12050212); This variant is associated with the following publications: (PMID: 14604307, 12050212, 34426522, 34200080, 35177841, 22049173, 9589691)

Labcorp Genetics (formerly Invitae), Labcorp
Classification: Likely pathogenic. Last evaluated: 2023-08-07. Review status: criteria provided, single submitter. Criteria: Invitae Variant Classification Sherloc (09022015). Collection method: clinical testing. Allele origin: germline.
Comment: This sequence change creates a premature translational stop signal (p.Thr655Cysfs*2) in the TSHR gene. While this is not anticipated to result in nonsense mediated decay, it is expected to disrupt the last 110 amino acid(s) of the TSHR protein. This variant is present in population databases (rs761918916, gnomAD 0.006%). This premature translational stop signal has been observed in individual(s) with hypothyroidism (PMID: 9589691, 12050212, 22049173). In at least one individual the data is consistent with being in trans (on the opposite chromosome) from a pathogenic variant. This variant is also known as del AC 655; T655X; T655delta-TSHR. ClinVar contains an entry for this variant (Variation ID: 1204435). Algorithms developed to predict the effect of variants on protein structure and function are not available or were not evaluated for this variant. Experimental studies have shown that this premature translational stop signal affects TSHR function (PMID: 12050212). In summary, the currently available evidence indicates that the variant is pathogenic, but additional data are needed to prove that conclusively. Therefore, this variant has been classified as Likely Pathogenic.

Fulgent Genetics
Classification: Likely pathogenic for Hypothyroidism due to TSH receptor mutations; Familial gestational hyperthyroidism; Familial hyperthyroidism due to mutations in TSH receptor. Last evaluated: 2021-09-15. Review status: criteria provided, single submitter. Criteria: ACMG Guidelines, 2015. Collection method: clinical testing. Allele origin: unknown.

OMIM
Classification: Pathogenic for HYPOTHYROIDISM, CONGENITAL, NONGOITROUS, 1. Last evaluated: 2002-06-01. Review status: no assertion criteria provided. Collection method: literature only. Allele origin: germline. Not counted in ClinVar's aggregate classification.

Literature cited by the submitters: PubMed 9589691 (cited by Labcorp Genetics (formerly Invitae), Labcorp and OMIM); PubMed 12050212 (cited by Labcorp Genetics (formerly Invitae), Labcorp and OMIM); PubMed 22049173 (cited by Labcorp Genetics (formerly Invitae), Labcorp).

NM_000369.5(TSHR):c.1963_1964del (p.Thr655fs)

Genes: TSHR (thyroid stimulating hormone receptor; plus strand), TSHR-AS1 (TSHR antisense RNA 1; minus strand). Cytogenetic location: 14q31.1.
Variant type: Deletion.
Coding change: c.1963_1964del on transcript NM_000369.5 (MANE Select); coding-DNA positions 1963 to 1964, 2 bases deleted (AC; older notation c.1963_1964delAC).
Protein change: p.Thr655fs; shifts the reading frame from threonine 655.
Molecular consequence: frameshift variant.
Genome position (GRCh38, 1-based): chr14:81,144,021-81,144,022, AC deleted; deleting any 2 consecutive bases within chr14:81,144,020-81,144,022 gives the same sequence; the c. name uses the placement nearest the transcript's 3' end. VCF-style (leftmost placement, unchanged base first): chr14-81144019-TCA-T. GRCh37 (hg19) VCF-style: chr14-81610363-TCA-T.
Other names: c.1963_1964del (NM_000369.2); short protein forms T655fs.
Identifiers: ClinVar variation 1204435 (VCV001204435.10), dbSNP rs761918916, ClinGen allele CA7294555.